The following is an entry in ClinVar:

NM_001365951.3(KIF1B):c.*2698G>A

Gene: KIF1B (kinesin family member 1B; plus strand). Cytogenetic location: 1p36.22.
Variant type: single nucleotide variant.
Coding change: c.*2698G>A on transcript NM_001365951.3 (MANE Select); 2698 bases downstream of the stop codon, G replaced by A.
Molecular consequence: 3 prime UTR variant.
Genome position (GRCh38, 1-based): chr1:10,379,285, G>A. VCF-style: chr1-10379285-G-A. GRCh37 (hg19) VCF-style: chr1-10439343-G-A.
Other names: c.*2698G>A (NM_001365952.1, NM_015074.3).
Identifiers: ClinVar variation 291627 (VCV000291627.5), dbSNP rs115172954, ClinGen allele CA10607305.
Genomic context (GRCh38, chr1:10,379,285, plus strand): 5'-GACTTTTGTTTTTCTTCTAACTCATACAAAACTGGTTTGGAAAGTCTTTGCTTTGGAAGC[G>A]TCAGACATTAGAACAGGCCAAACTGGACTGTCTGTTCATAGCGTGCCTGAATAAGAAGGC-3'

ClinVar aggregate classification (germline): Benign (1 of 4 stars; one submission).

Conditions:
Neuroblastoma (NB). Identifiers: Orphanet 635, MedGen C0027819, MeSH D009447, MONDO:0005072, HP:0003006.

Allele frequency attached by ClinVar (database versions not stated): gnomAD exomes 0.00315; gnomAD 0.01746 and 0.01866; TOPMed 0.01986; 1000 Genomes Project 0.01997; 1000 Genomes Project 30x 0.02202.
gnomAD v4.1: 2,889 of 230,984 alleles (1.3%); highest among the groups gnomAD compares: African/African-American, 5.9%; 86 homozygotes.

Submission:

Illumina Laboratory Services, Illumina
Classification: Benign for Neuroblastoma. Last evaluated: 2018-01-12. Review status: criteria provided, single submitter. Criteria: ICSL Variant Classification Criteria 13 December 2019. Collection method: clinical testing. Allele origin: germline.
Comment: This variant was observed in the ICSL laboratory as part of a predisposition screen in an ostensibly healthy population. It had not been previously curated by ICSL or reported in the Human Gene Mutation Database (HGMD: prior to June 1st, 2018), and was therefore a candidate for classification through an automated scoring system. Utilizing variant allele frequency, disease prevalence and penetrance estimates, and inheritance mode, an automated score was calculated to assess if this variant is too frequent to cause the disease. Based on the score and internal cut-off values, a variant classified as benign is not then subjected to further curation. The score for this variant resulted in a classification of benign for this disease.